The following is an entry in ClinVar:

NM_015072.5(TTLL5):c.1460_1464delinsTC (p.Pro487_Thr488delinsLeu)

Gene: TTLL5 (tubulin tyrosine ligase like 5; plus strand). Cytogenetic location: 14q24.3.
Variant type: Indel.
Coding change: c.1460_1464delinsTC on transcript NM_015072.5 (MANE Select); coding-DNA positions 1460 to 1464, CTACA replaced by TC.
Protein change: p.Pro487_Thr488delinsLeu.
Molecular consequence: inframe indel.
Genome position (GRCh38, 1-based): chr14:75,745,554-75,745,558, CTACA replaced by TC. VCF-style: chr14-75745554-CTACA-TC. GRCh37 (hg19) VCF-style: chr14-76211897-CTACA-TC.
Identifiers: ClinVar variation 2077094 (VCV002077094.4), dbSNP rs2503166920, ClinGen allele CA2580088773.

ClinVar aggregate classification (germline): Uncertain significance (1 of 4 stars; one submission).

Submission:

Labcorp Genetics (formerly Invitae), Labcorp
Classification: Uncertain significance. Last evaluated: 2022-01-07. Review status: criteria provided, single submitter. Criteria: Invitae Variant Classification Sherloc (09022015). Collection method: clinical testing. Allele origin: germline.
Comment: In summary, the available evidence is currently insufficient to determine the role of this variant in disease. Therefore, it has been classified as a Variant of Uncertain Significance. Experimental studies and prediction algorithms are not available or were not evaluated, and the functional significance of this variant is currently unknown. This variant has not been reported in the literature in individuals affected with TTLL5-related conditions. Information on the frequency of this variant in the gnomAD database is not available, as this variant may be reported differently in the database. This variant, c.1460_1464delinsTC, is a complex sequence change that results in the deletion of 2 and insertion of 1 amino acid(s) in the TTLL5 protein (p.Pro487_Thr488delinsLeu).